The following is an entry in ClinVar:

NM_003486.7(SLC7A5):c.122G>A (p.Gly41Asp)

Gene: SLC7A5 (solute carrier family 7 member 5; minus strand). Cytogenetic location: 16q24.2.
Variant type: single nucleotide variant.
Coding change: c.122G>A on transcript NM_003486.7 (MANE Select); coding-DNA position 122, G replaced by A.
Protein change: p.Gly41Asp; replaces glycine 41 with aspartic acid.
Molecular consequence: missense variant.
Genome position (GRCh38, 1-based): chr16:87,869,301, C>T on the plus strand (G>A on the coding strand, the complement: SLC7A5 is on the minus strand). VCF-style: chr16-87869301-C-T. GRCh37 (hg19) VCF-style: chr16-87902907-C-T.
Other names: short protein forms G41D.
Identifiers: ClinVar variation 3034437 (VCV003034437.2), dbSNP rs148183733, ClinGen allele CA8223156.

ClinVar aggregate classification (germline): Likely benign (0 of 4 stars; one submission).

Conditions:
SLC7A5-related disorder. Also called: SLC7A5-related condition.

Allele frequency attached by ClinVar (database versions not stated): 1000 Genomes Project 30x 0.00016; 1000 Genomes Project 0.00020; ESP Exome Variant Server 0.00101.
gnomAD v4.1: 2,995 of 1,611,410 alleles (0.19%); highest among the groups gnomAD compares: South Asian, 0.29%; 16 homozygotes.

Submission:

PreventionGenetics, part of Exact Sciences
Classification: Likely benign for SLC7A5-related condition. Last evaluated: 2019-04-25. Review status: no assertion criteria provided. Collection method: clinical testing. Allele origin: germline.
Comment: This variant is classified as likely benign based on ACMG/AMP sequence variant interpretation guidelines (Richards et al. 2015 PMID: 25741868, with internal and published modifications).